The following is an entry in ClinVar:

NM_003750.4(EIF3A):c.3181_3185inv (p.Arg1061_Asn1062delinsLeuArg)

Gene: EIF3A (eukaryotic translation initiation factor 3 subunit A; minus strand). Cytogenetic location: 10q26.11.
Variant type: Inversion.
Coding change: c.3181_3185inv on transcript NM_003750.4 (MANE Select).
Protein change: p.Arg1061_Asn1062delinsLeuArg.
Molecular consequence: missense variant.
Genome position: GRCh38 VCF-style: chr10-119042335-TTACG-CGTAA. GRCh37 (hg19) VCF-style: chr10-120801847-TTACG-CGTAA.
Identifiers: ClinVar variation 5009412 (VCV005009412.1).
Genomic context (GRCh38, chr10:119,042,335, plus strand): 5'-CCTCGCCTGGGACCCCGATCATCATCCAACCCTCGCCTGGGACCCCGGTCATCATCAGCA[TTACG>CGTAA]CCAGGATGATCGCTCATCATCAGCGCCTCCTCGCCTCGGCCCCCGGTCATCATCCATCCC-3'

ClinVar aggregate classification (germline): Uncertain significance (1 of 4 stars; one submission).

Submission:

GeneDx
Classification: Uncertain significance. Last evaluated: 2026-03-18. Review status: criteria provided, single submitter. Criteria: GeneDx Variant Classification Process June 2021. Collection method: clinical testing. Allele origin: germline.
Comment: Not observed at significant frequency in large population cohorts (gnomAD); In-frame deletion of 2 amino acids and insertion of 2 different amino acids in a non-repeat region; In silico analysis supports a deleterious effect on protein structure/function; Has not been previously published as pathogenic or benign to our knowledge